The following is an entry in ClinVar:

ClinVar aggregate classification (germline): Uncertain significance (1 of 4 stars; one submission).

Submission:

Labcorp Genetics (formerly Invitae), Labcorp
Classification: Uncertain significance. Last evaluated: 2024-04-30. Review status: criteria provided, single submitter. Criteria: Invitae Variant Classification Sherloc (09022015). Collection method: clinical testing. Allele origin: germline.
Comment: This sequence change replaces valine, which is neutral and non-polar, with isoleucine, which is neutral and non-polar, at codon 3614 of the KMT2A protein (p.Val3614Ile). This variant is not present in population databases (gnomAD no frequency). This variant has not been reported in the literature in individuals affected with KMT2A-related conditions. Advanced modeling of protein sequence and biophysical properties (such as structural, functional, and spatial information, amino acid conservation, physicochemical variation, residue mobility, and thermodynamic stability) performed at Invitae indicates that this missense variant is not expected to disrupt KMT2A protein function with a negative predictive value of 95%. In summary, the available evidence is currently insufficient to determine the role of this variant in disease. Therefore, it has been classified as a Variant of Uncertain Significance.

NM_001197104.2(KMT2A):c.10840G>A (p.Val3614Ile)

Gene: KMT2A (lysine methyltransferase 2A; plus strand). Cytogenetic location: 11q23.3.
Variant type: single nucleotide variant.
Coding change: c.10840G>A on transcript NM_001197104.2 (MANE Select); coding-DNA position 10840, G replaced by A.
Protein change: p.Val3614Ile; replaces valine 3614 with isoleucine.
Molecular consequence: missense variant.
Genome position (GRCh38, 1-based): chr11:118,509,140, G>A. VCF-style: chr11-118509140-G-A. GRCh37 (hg19) VCF-style: chr11-118379855-G-A.
Other names: c.10930G>A, p.Val3644Ile (NM_001412597.1); c.10831G>A, p.Val3611Ile (NM_005933.4); short protein forms V3611I, V3644I, V3614I.
Identifiers: ClinVar variation 3634367 (VCV003634367.2).